The following is an entry in ClinVar:

NM_005632.3(CAPN15):c.412G>A (p.Glu138Lys)

Gene: CAPN15 (calpain 15; plus strand). Cytogenetic location: 16p13.3.
Variant type: single nucleotide variant.
Coding change: c.412G>A on transcript NM_005632.3 (MANE Select); coding-DNA position 412, G replaced by A.
Protein change: p.Glu138Lys; replaces glutamic acid 138 with lysine.
Molecular consequence: missense variant.
Genome position (GRCh38, 1-based): chr16:547,250, G>A. VCF-style: chr16-547250-G-A. GRCh37 (hg19) VCF-style: chr16-597250-G-A.
Other names: short protein forms E138K.
Identifiers: ClinVar variation 2645794 (VCV002645794.24), dbSNP rs200344224, ClinGen allele CA7778070.

ClinVar aggregate classification (germline): Likely benign (1 of 4 stars; one submission).

Allele frequency attached by ClinVar (database versions not stated): ESP Exome Variant Server 0.00056; 1000 Genomes Project 0.00060; TOPMed 0.00082; 1000 Genomes Project 30x 0.00109; gnomAD exomes 0.00144; gnomAD 0.00163; ExAC 0.00476.
gnomAD v4.1: 2,189 of 1,513,904 alleles (0.14%); highest among the groups gnomAD compares: Non-Finnish European, 0.14%; 10 homozygotes.

Submission:

CeGaT Center for Human Genetics Tuebingen
Classification: Likely benign. Last evaluated: 2026-07-01. Review status: criteria provided, single submitter. Criteria: CeGaT Center For Human Genetics Tuebingen Variant Classification Criteria Version 2. Collection method: clinical testing. Allele origin: germline. Affected: yes. Observed: 7 variant alleles.
Comment: CAPN15: BP4